The following is an entry in ClinVar:

NM_003664.5(AP3B1):c.2963T>C (p.Met988Thr)

Gene: AP3B1 (adaptor related protein complex 3 subunit beta 1; minus strand). Cytogenetic location: 5q14.1.
Variant type: single nucleotide variant.
Coding change: c.2963T>C on transcript NM_003664.5 (MANE Select); coding-DNA position 2963, T replaced by C.
Protein change: p.Met988Thr; replaces methionine 988 with threonine.
Molecular consequence: missense variant.
Genome position (GRCh38, 1-based): chr5:78,020,721, A>G on the plus strand (T>C on the coding strand, the complement: AP3B1 is on the minus strand). VCF-style: chr5-78020721-A-G. GRCh37 (hg19) VCF-style: chr5-77316545-A-G.
Other names: c.2816T>C, p.Met939Thr (NM_001271769.2); short protein forms M988T, M939T.
Identifiers: ClinVar variation 1912345 (VCV001912345.5), dbSNP rs1580247265, ClinGen allele CA360333301.

ClinVar aggregate classification (germline): Uncertain significance (1 of 4 stars; one submission).

Conditions:
Hermansky-Pudlak syndrome 2 (HPS2). Also called: Platelet defects and oculocutaneous albinism. Identifiers: Orphanet 183678, Orphanet 79430, MedGen C1842362, MONDO:0011997, OMIM 608233.

Submission:

Labcorp Genetics (formerly Invitae), Labcorp
Classification: Uncertain significance for Hermansky-Pudlak syndrome 2. Last evaluated: 2022-02-06. Review status: criteria provided, single submitter. Criteria: Invitae Variant Classification Sherloc (09022015). Collection method: clinical testing. Allele origin: germline.
Comment: In summary, the available evidence is currently insufficient to determine the role of this variant in disease. Therefore, it has been classified as a Variant of Uncertain Significance. Algorithms developed to predict the effect of missense changes on protein structure and function are either unavailable or do not agree on the potential impact of this missense change (SIFT: "Deleterious"; PolyPhen-2: "Benign"; Align-GVGD: "Class C0"). This variant has not been reported in the literature in individuals affected with AP3B1-related conditions. This variant is not present in population databases (gnomAD no frequency). This sequence change replaces methionine, which is neutral and non-polar, with threonine, which is neutral and polar, at codon 988 of the AP3B1 protein (p.Met988Thr).